The following is an entry in ClinVar:

ClinVar aggregate classification (germline): Uncertain significance (1 of 4 stars; one submission).

Allele frequency attached by ClinVar (database versions not stated): ExAC 0.00002; gnomAD 0.00002; TOPMed 0.00002; ESP Exome Variant Server 0.00008.
gnomAD v4.1: 4 of 1,613,928 alleles (0.00025%); highest among the groups gnomAD compares: African/African-American, 0.0053%; no homozygotes.

Submission:

Ambry Genetics
Classification: Uncertain significance. Last evaluated: 2024-02-10. Review status: criteria provided, single submitter. Criteria: Ambry Variant Classification Scheme 2023. Collection method: clinical testing. Allele origin: germline.
Comment: The p.G2037D variant (also known as c.6110G>A), located in coding exon 19 of the POLQ gene, results from a G to A substitution at nucleotide position 6110. The glycine at codon 2037 is replaced by aspartic acid, an amino acid with similar properties. This amino acid position is conserved. In addition, this alteration is predicted to be tolerated by in silico analysis. Since supporting evidence is limited at this time, the clinical significance of this alteration remains unclear.

NM_199420.4(POLQ):c.6110G>A (p.Gly2037Asp)

Gene: POLQ (DNA polymerase theta; minus strand). Cytogenetic location: 3q13.33.
Variant type: single nucleotide variant.
Coding change: c.6110G>A on transcript NM_199420.4 (MANE Select); coding-DNA position 6110, G replaced by A.
Protein change: p.Gly2037Asp; replaces glycine 2037 with aspartic acid.
Molecular consequence: missense variant.
Genome position (GRCh38, 1-based): chr3:121,481,673, C>T on the plus strand (G>A on the coding strand, the complement: POLQ is on the minus strand). VCF-style: chr3-121481673-C-T. GRCh37 (hg19) VCF-style: chr3-121200520-C-T.
Other names: short protein forms G2037D.
Identifiers: ClinVar variation 1751685 (VCV001751685.2), dbSNP rs372461885, ClinGen allele CA2562568.